The following is an entry in ClinVar:

NM_000078.3(CETP):c.991G>A (p.Gly331Ser)

Gene: CETP (cholesteryl ester transfer protein; plus strand). Cytogenetic location: 16q13.
Variant type: single nucleotide variant.
Coding change: c.991G>A on transcript NM_000078.3 (MANE Select); coding-DNA position 991, G replaced by A.
Protein change: p.Gly331Ser; replaces glycine 331 with serine.
Molecular consequence: missense variant.
Genome position (GRCh38, 1-based): chr16:56,978,100, G>A. VCF-style: chr16-56978100-G-A. GRCh37 (hg19) VCF-style: chr16-57012012-G-A.
Other names: c.811G>A, p.Gly271Ser (NM_001286085.2); short protein forms G331S, G271S.
Identifiers: ClinVar variation 319986 (VCV000319986.11), dbSNP rs5881, ClinGen allele CA8071194.
Genomic context (GRCh38, chr16:56,978,100, plus strand): 5'-TGCTGCCCTGATGGGCCCCTGTCCTGGCCATGGGACCCCTGTCTTCCACAGGTTGTCGGC[G>A]GCTTCCCCAGCCAGGCCCAAGTCACCGTCCACTGCCTCAAGATGCCCAAGATCTCCTGCC-3'
Protein context (NP_000069.2, residues 321-341): NQEIFQEVVG[Gly331Ser]FPSQAQVTVH

ClinVar aggregate classification (germline): Benign/Likely benign. Review status: criteria provided, multiple submitters, no conflicts (2 of 4 stars). 3 submissions from 3 submitters: Benign (1); Likely benign (1). 1 of the submissions does not count toward it. Last evaluated 2026-01-18.

Conditions:
CETP-related disorder. Also called: CETP-related condition.
Hyperalphalipoproteinemia 1 (HALP1). Also called: CETP-Related Hyperalphalipoproteinemia; CETP DEFICIENCY. Identifiers: MedGen C3149462, OMIM 143470.

Allele frequency attached by ClinVar (database versions not stated): ESP Exome Variant Server 0.00015; gnomAD exomes 0.00017 and 0.00047; gnomAD 0.00020 and 0.00025; TOPMed 0.00035; ExAC 0.00049; 1000 Genomes Project 0.00120; 1000 Genomes Project 30x 0.00125.
gnomAD v4.1: 288 of 1,614,102 alleles (0.018%); highest among the groups gnomAD compares: East Asian, 0.22%; 1 homozygote.

Submissions (3):

Labcorp Genetics (formerly Invitae), Labcorp
Classification: Benign. Last evaluated: 2026-01-18. Review status: criteria provided, single submitter. Criteria: Invitae Variant Classification Sherloc (09022015). Collection method: clinical testing. Allele origin: germline.

Illumina Laboratory Services, Illumina
Classification: Likely benign for Hyperalphalipoproteinemia 1. Last evaluated: 2017-04-27. Review status: criteria provided, single submitter. Criteria: ICSL Variant Classification Criteria 13 December 2019. Collection method: clinical testing. Allele origin: germline.
Comment: This variant was observed as part of a predisposition screen in an ostensibly healthy population. A literature search was performed for the gene, cDNA change, and amino acid change (where applicable). Publications were found based on this search. The evidence from the literature, in combination with allele frequency data from public databases where available, was sufficient to determine this variant is unlikely to cause disease. Therefore, this variant is classified as likely benign.

PreventionGenetics, part of Exact Sciences
Classification: Likely benign for CETP-related condition. Last evaluated: 2019-06-07. Review status: no assertion criteria provided. Collection method: clinical testing. Allele origin: germline. Not counted in ClinVar's aggregate classification.
Comment: This variant is classified as likely benign based on ACMG/AMP sequence variant interpretation guidelines (Richards et al. 2015 PMID: 25741868, with internal and published modifications).

Literature cited by the submitters: PubMed 18468607 (cited by Illumina Laboratory Services, Illumina).